The following is an entry in ClinVar:

NM_005359.6(SMAD4):c.85G>C (p.Gly29Arg)

Gene: SMAD4 (SMAD family member 4; plus strand). Cytogenetic location: 18q21.2.
Variant type: single nucleotide variant.
Coding change: c.85G>C on transcript NM_005359.6 (MANE Select); coding-DNA position 85, G replaced by C.
Protein change: p.Gly29Arg; replaces glycine 29 with arginine.
Molecular consequence: missense variant. On other transcripts: non-coding transcript variant (2).
Genome position (GRCh38, 1-based): chr18:51,047,131, G>C. VCF-style: chr18-51047131-G-C. GRCh37 (hg19) VCF-style: chr18-48573501-G-C.
Other names: c.85G>C, p.Gly29Arg (NM_001407041.1, NM_001407042.1, NM_001407043.1); short protein forms G29R.
Identifiers: ClinVar variation 4559174 (VCV004559174.2).
Genomic context (GRCh38, chr18:51,047,131, plus strand): 5'-ACACCAACAAGTAATGATGCCTGTCTGAGCATTGTGCATAGTTTGATGTGCCATAGACAA[G>C]GTGGAGAGAGTGAAACATTTGCAAAAAGAGCAATTGAAAGTTTGGTAAAGAAGCTGAAGG-3'
Protein context (NP_005350.1, residues 19-39): IVHSLMCHRQ[Gly29Arg]GESETFAKRA

ClinVar aggregate classification (germline): Uncertain significance (1 of 4 stars; one submission).

Conditions:
Familial thoracic aortic aneurysm and aortic dissection (TAAD). Also called: Thoracic aortic aneurysms and dissections. Identifiers: Orphanet 91387, MedGen C4707243, MONDO:0019625.
Hereditary cancer-predisposing syndrome. Also called: Neoplastic Syndromes, Hereditary; Tumor predisposition; Hereditary Cancer Syndrome; Hereditary neoplastic syndrome. Identifiers: Orphanet 140162, MedGen C0027672, MeSH D009386, MONDO:0015356.

Submission:

Ambry Genetics
Classification: Uncertain significance for Hereditary cancer-predisposing syndrome; Familial thoracic aortic aneurysm and aortic dissection. Last evaluated: 2026-08-03. Review status: criteria provided, single submitter. Criteria: Ambry Variant Classification Scheme 2023. Collection method: clinical testing. Allele origin: germline.
Comment: The p.G29R variant (also known as c.85G>C), located in coding exon 1 of the SMAD4 gene, results from a G to C substitution at nucleotide position 85. The glycine at codon 29 is replaced by arginine, an amino acid with dissimilar properties. This amino acid position is highly conserved in available vertebrate species. In addition, this alteration is predicted to be deleterious by in silico analysis. Based on the available evidence, the clinical significance of this variant remains unclear.